The following is an entry in ClinVar:

NM_000094.4(COL7A1):c.2212_2215dup (p.Glu739delinsGlyTer)

Gene: COL7A1 (collagen type VII alpha 1 chain; minus strand). Cytogenetic location: 3p21.31.
Variant type: Duplication.
Coding change: c.2212_2215dup on transcript NM_000094.4 (MANE Select); coding-DNA positions 2212 to 2215, 4 bases duplicated (GCTG; older notation c.2212_2215dupGCTG).
Protein change: p.Glu739delinsGlyTer.
Molecular consequence: nonsense.
Genome position (GRCh38, 1-based): chr3:48,589,426-48,589,429, CAGC duplicated on the plus strand (GCTG on the coding strand, the reverse complement: COL7A1 is on the minus strand); duplicating any 4 consecutive bases within chr3:48,589,426-48,589,431 gives the same sequence; the c. name uses the placement nearest the transcript's 3' end. VCF-style (leftmost placement, unchanged base first): chr3-48589425-T-TCAGC. GRCh37 (hg19) VCF-style: chr3-48626858-T-TCAGC.
Identifiers: ClinVar variation 3720510 (VCV003720510.3).

ClinVar aggregate classification (germline): Pathogenic. Review status: criteria provided, multiple submitters, no conflicts (2 of 4 stars). 2 submissions from 2 submitters: Pathogenic (2). Last evaluated 2025-12-24.

Conditions:
Recessive dystrophic epidermolysis bullosa (RDEB). Also called: DYSTROPHIC EPIDERMOLYSIS BULLOSA, AUTOSOMAL RECESSIVE; EPIDERMOLYSIS BULLOSA DYSTROPHICA, HALLOPEAU-SIEMENS TYPE; Hallopeau-Siemens Disease; Epidermolysis Bullosa Distrophica Autosomal Recessive (RDEB); severe generalized recessive dystrophic epidermolysis bullosa; epidermolysis bullosa dystrophica, autosomal recessive. Identifiers: Orphanet 79408, Orphanet 79409, MedGen C0079474, MONDO:0009179, OMIM 226600.

Submissions (2):

Myriad Genetics, Inc.
Classification: Pathogenic for Recessive dystrophic epidermolysis bullosa. Last evaluated: 2025-12-24. Review status: criteria provided, single submitter. Criteria: Myriad Autosomal Dominant, Autosomal Recessive and X-Linked Classification Criteria (2023). Collection method: clinical testing. Allele origin: unknown.
Comment: NM_000094.3(COL7A1):c.2212_2215dupGCTG(E739Gfs*2) is expected to be pathogenic in the context of dystrophic epidermolysis bullosa. This variant is predicted to lead to an abnormal or absent protein product due to the creation of a premature termination codon in COL7A1, a gene where loss-of-function variants are known to be pathogenic. Please note: this variant was assessed in the context of healthy population screening.

Labcorp Genetics (formerly Invitae), Labcorp
Classification: Pathogenic. Last evaluated: 2024-02-20. Review status: criteria provided, single submitter. Criteria: Invitae Variant Classification Sherloc (09022015). Collection method: clinical testing. Allele origin: germline.
Comment: This sequence change creates a premature translational stop signal (p.Glu739Glyfs*2) in the COL7A1 gene. It is expected to result in an absent or disrupted protein product. Loss-of-function variants in COL7A1 are known to be pathogenic (PMID: 16971478). This variant is not present in population databases (gnomAD no frequency). This premature translational stop signal has been observed in individual(s) with recessive dystrophic epidermolysis bullosa (PMID: 22266148). Algorithms developed to predict the effect of sequence changes on RNA splicing suggest that this variant may disrupt the consensus splice site. For these reasons, this variant has been classified as Pathogenic.

Literature cited by the submitters: PubMed 16971478 (cited by Labcorp Genetics (formerly Invitae), Labcorp); PubMed 22266148 (cited by Labcorp Genetics (formerly Invitae), Labcorp).